The following is an entry in ClinVar:

ClinVar aggregate classification (germline): Uncertain significance. Review status: criteria provided, single submitter (1 of 4 stars). 2 submissions from 2 submitters: Uncertain significance (1). 1 of the submissions does not count toward it. Last evaluated 2021-08-28.

Conditions:
Nemaline myopathy 2 (NEM2). Also called: Nemaline myopathy 2, autosomal recessive. Identifiers: MedGen C1850569, MONDO:0009725, OMIM 256030.

Allele frequency attached by ClinVar (database versions not stated): TOPMed below 0.00001.
gnomAD v4.1: 4 of 1,614,000 alleles (0.00025%); highest among the groups gnomAD compares: Non-Finnish European, 0.00034%; no homozygotes.

Submissions (2):

Labcorp Genetics (formerly Invitae), Labcorp
Classification: Uncertain significance for Nemaline myopathy 2. Last evaluated: 2021-08-28. Review status: criteria provided, single submitter. Criteria: Invitae Variant Classification Sherloc (09022015). Collection method: clinical testing. Allele origin: germline.
Comment: This sequence change replaces alanine with serine at codon 3341 of the NEB protein (p.Ala3341Ser). The alanine residue is moderately conserved and there is a moderate physicochemical difference between alanine and serine. This variant is not present in population databases (ExAC no frequency). This variant has not been reported in the literature in individuals affected with NEB-related conditions. Algorithms developed to predict the effect of missense changes on protein structure and function are either unavailable or do not agree on the potential impact of this missense change (SIFT: "Deleterious"; PolyPhen-2: "Not Available"; Align-GVGD: "Class C0"). In summary, the available evidence is currently insufficient to determine the role of this variant in disease. Therefore, it has been classified as a Variant of Uncertain Significance.

Natera, Inc.
Classification: Uncertain significance for Nemaline myopathy type 2. Last evaluated: 2020-11-05. Review status: no assertion criteria provided. Collection method: clinical testing. Allele origin: germline. Not counted in ClinVar's aggregate classification.

NM_001164508.2(NEB):c.10021G>T (p.Ala3341Ser)

Gene: NEB (nebulin; minus strand). Cytogenetic location: 2q23.3.
Variant type: single nucleotide variant.
Coding change: c.10021G>T on transcript NM_001164508.2 (MANE Select); coding-DNA position 10021, G replaced by T.
Protein change: p.Ala3341Ser; replaces alanine 3341 with serine.
Molecular consequence: missense variant.
Genome position (GRCh38, 1-based): chr2:151,627,645, C>A on the plus strand (G>T on the coding strand, the complement: NEB is on the minus strand). VCF-style: chr2-151627645-C-A. GRCh37 (hg19) VCF-style: chr2-152484159-C-A.
Other names: c.10021G>T, p.Ala3341Ser (NM_001164507.2, NM_001271208.2); c.9292G>T, p.Ala3098Ser (NM_004543.5); short protein forms A3098S, A3341S.
Identifiers: ClinVar variation 661430 (VCV000661430.7), dbSNP rs1574279999, ClinGen allele CA348795111.